The following is an entry in ClinVar:

ClinVar aggregate classification (germline): Likely benign (1 of 4 stars; one submission).

Allele frequency attached by ClinVar (database versions not stated): ExAC 0.00003; 1000 Genomes Project 0.00040; 1000 Genomes Project 30x 0.00078.

Submission:

CeGaT Center for Human Genetics Tuebingen
Classification: Likely benign. Last evaluated: 2025-06-01. Review status: criteria provided, single submitter. Criteria: CeGaT Center For Human Genetics Tuebingen Variant Classification Criteria Version 2. Collection method: clinical testing. Allele origin: germline. Affected: yes. Observed: 2 variant alleles.
Comment: AHNAK2: BP4, BP7

NM_138420.4(AHNAK2):c.10926A>G (p.Lys3642=)

Gene: AHNAK2 (AHNAK nucleoprotein 2; minus strand). Cytogenetic location: 14q32.33.
Variant type: single nucleotide variant.
Coding change: c.10926A>G on transcript NM_138420.4 (MANE Select); coding-DNA position 10926, A replaced by G.
Protein change: p.Lys3642=; no amino-acid change (lysine 3642 retained).
Molecular consequence: synonymous variant.
Genome position (GRCh38, 1-based): chr14:104,944,525, T>C on the plus strand (A>G on the coding strand, the complement: AHNAK2 is on the minus strand). VCF-style: chr14-104944525-T-C. GRCh37 (hg19) VCF-style: chr14-105410862-T-C.
Other names: c.10626A>G, p.Lys3542= (NM_001350929.2).
Identifiers: ClinVar variation 2644658 (VCV002644658.24), dbSNP rs535497549, ClinGen allele CA7378917.